The following is an entry in ClinVar:

NM_000501.4(ELN):c.1747+81A>G

Genes: ELN-AS1 (ELN antisense RNA 1; minus strand), ELN (elastin; plus strand). Cytogenetic location: 7q11.23.
Variant type: single nucleotide variant.
Coding change: c.1747+81A>G on transcript NM_000501.4 (MANE Select); 81 bases into the intron after coding-DNA position 1747, A replaced by G.
Molecular consequence: intron variant. On other transcripts: missense variant (1).
Genome position (GRCh38, 1-based): chr7:74,060,582, A>G. VCF-style: chr7-74060582-A-G. GRCh37 (hg19) VCF-style: chr7-73474912-A-G.
Other names: c.1915A>G, p.Thr639Ala (NM_001278939.2); c.1762+81A>G (NM_001081754.3); c.1705+81A>G (NM_001081753.3); c.1765+81A>G (NM_001278915.2); c.1747+81A>G (NM_001278912.2); c.1690+81A>G (NM_001081755.3); c.1603+81A>G (NM_001278916.2); c.1504+81A>G (NM_001278913.2); and 4 more; short protein forms T639A.
Identifiers: ClinVar variation 1002122 (VCV001002122.11), dbSNP rs782668288, ClinGen allele CA4293188.

ClinVar aggregate classification (germline): Uncertain significance. Review status: criteria provided, multiple submitters, no conflicts (2 of 4 stars). 2 submissions from 2 submitters: Uncertain significance (2). Last evaluated 2026-10-22.

Conditions:
Supravalvar aortic stenosis (SVAS). Also called: Supravalvar aortic stenosis, Eisenberg type. Identifiers: Orphanet 3193, MedGen C0003499, MONDO:0008504, OMIM 185500, HP:0004381.

Allele frequency attached by ClinVar (database versions not stated): ExAC 0.00001; gnomAD exomes 0.00001.
gnomAD v4.1: 8 of 1,604,268 alleles (0.0005%); highest among the groups gnomAD compares: Non-Finnish European, 0.00068%; no homozygotes.

Submissions (2):

GeneDx
Classification: Uncertain significance. Last evaluated: 2026-10-22. Review status: criteria provided, single submitter. Criteria: GeneDx Variant Classification Process June 2021. Collection method: clinical testing. Allele origin: germline.
Comment: Has not been previously published as pathogenic or benign to our knowledge; Not observed at significant frequency in large population cohorts (gnomAD); In silico analysis suggests that this variant does not alter splicing; Reported using an alternate transcript of the gene

Labcorp Genetics (formerly Invitae), Labcorp
Classification: Uncertain significance for Supravalvar aortic stenosis. Last evaluated: 2023-03-03. Review status: criteria provided, single submitter. Criteria: Invitae Variant Classification Sherloc (09022015). Collection method: clinical testing. Allele origin: germline.
Comment: Experimental studies and prediction algorithms are not available or were not evaluated, and the functional significance of this variant is currently unknown. ClinVar contains an entry for this variant (Variation ID: 1002122). In summary, the available evidence is currently insufficient to determine the role of this variant in disease. Therefore, it has been classified as a Variant of Uncertain Significance. This sequence change replaces threonine, which is neutral and polar, with alanine, which is neutral and non-polar, at codon 639 of the ELN protein (p.Thr639Ala). This variant is present in population databases (rs782668288, gnomAD 0.002%). This variant has not been reported in the literature in individuals affected with ELN-related conditions.